The following is an entry in ClinVar:

ClinVar aggregate classification (germline): Conflicting classifications of pathogenicity. Review status: criteria provided, conflicting classifications (1 of 4 stars). 9 submissions from 9 submitters: Uncertain significance (7); Likely benign (1). 1 of the submissions does not count toward it. Last evaluated 2026-01-26.

Conditions:
Fanconi anemia complementation group A (FANCA). Also called: FANCA-Related Fanconi Anemia; Fanconi anemia, group A. Identifiers: Orphanet 84, MedGen C3469521, MONDO:0009215, OMIM 227650.
Fanconi anemia (FA). Also called: Fanconi's anemia. Identifiers: Orphanet 84, MedGen C0015625, MeSH D005199, MONDO:0019391.

Allele frequency attached by ClinVar (database versions not stated): gnomAD exomes 0.00010; ExAC 0.00012; 1000 Genomes Project 30x 0.00016; 1000 Genomes Project 0.00020; gnomAD 0.00037 and 0.00042; TOPMed 0.00044; ESP Exome Variant Server 0.00054.
gnomAD v4.1: 98 of 1,612,916 alleles (0.0061%); highest among the groups gnomAD compares: African/African-American, 0.099%; no homozygotes.

Submissions (9):

Labcorp Genetics (formerly Invitae), Labcorp
Classification: Likely benign for Fanconi anemia. Last evaluated: 2026-01-26. Review status: criteria provided, single submitter. Criteria: Invitae Variant Classification Sherloc (09022015). Collection method: clinical testing. Allele origin: germline.

GeneDx
Classification: Uncertain significance. Last evaluated: 2025-04-03. Review status: criteria provided, single submitter. Criteria: GeneDx Variant Classification Process June 2021. Collection method: clinical testing. Allele origin: germline. Affected: yes.
Comment: In silico analysis supports that this missense variant has a deleterious effect on protein structure/function; Has not been previously published as pathogenic or benign to our knowledge

Genomic Medicine Center of Excellence, King Faisal Specialist Hospital and Research Centre
Classification: Uncertain significance for Fanconi anemia complementation group A. Last evaluated: 2024-12-19. Review status: criteria provided, single submitter. Criteria: ACMG Guidelines, 2015. Collection method: clinical testing. Allele origin: germline.

Blueprint Genetics
Classification: Uncertain significance. Last evaluated: 2024-11-11. Review status: criteria provided, single submitter. Criteria: ACMG Guidelines, 2015. Collection method: clinical testing. Allele origin: germline.

Fulgent Genetics
Classification: Uncertain significance for Fanconi anemia complementation group A. Last evaluated: 2024-01-29. Review status: criteria provided, single submitter. Criteria: ACMG Guidelines, 2015. Collection method: clinical testing. Allele origin: germline.

St. Jude Molecular Pathology, St. Jude Children's Research Hospital
Classification: Uncertain significance for Fanconi anemia complementation group A. Last evaluated: 2023-12-25. Review status: criteria provided, single submitter. Criteria: St. Jude Assertion Criteria 2020. Collection method: clinical testing. Allele origin: germline.
Comment: The FANCA c.437C>G (p.Ser146Cys) missense change has a maximum subpopulation frequency of 0.1% in gnomAD v2.1.1. The in silico tool REVEL predicts a benign effect on protein function, but to our knowledge this prediction has not been confirmed by functional studies. To our knowledge, this variant has not been reported in individuals with Fanconi anemia. In summary, the evidence currently available is insufficient to determine the clinical significance of this variant. It has therefore been classified as of uncertain significance.

Quest Diagnostics Nichols Institute San Juan Capistrano
Classification: Uncertain significance. Last evaluated: 2021-07-20. Review status: criteria provided, single submitter. Criteria: Quest Diagnostics criteria. Collection method: clinical testing. Allele origin: unknown.

Baylor Genetics
Classification: Uncertain significance for Fanconi anemia complementation group A. Last evaluated: 2020-11-20. Review status: criteria provided, single submitter. Criteria: ACMG Guidelines, 2015. Collection method: clinical testing. Allele origin: unknown. Affected: yes.
Comment: This variant was determined to be of uncertain significance according to ACMG Guidelines, 2015 [PMID:25741868].

Natera, Inc.
Classification: Uncertain significance for Fanconi anemia. Last evaluated: 2020-01-17. Review status: no assertion criteria provided. Collection method: clinical testing. Allele origin: germline. Not counted in ClinVar's aggregate classification.

NM_000135.4(FANCA):c.437C>G (p.Ser146Cys)

Gene: FANCA (FA complementation group A; minus strand). Cytogenetic location: 16q24.3.
Variant type: single nucleotide variant.
Coding change: c.437C>G on transcript NM_000135.4 (MANE Select); coding-DNA position 437, C replaced by G.
Protein change: p.Ser146Cys; replaces serine 146 with cysteine.
Molecular consequence: missense variant. On other transcripts: intron variant (1).
Genome position (GRCh38, 1-based): chr16:89,810,792, G>C on the plus strand (C>G on the coding strand, the complement: FANCA is on the minus strand). VCF-style: chr16-89810792-G-C. GRCh37 (hg19) VCF-style: chr16-89877200-G-C.
Other names: c.437C>G, p.Ser146Cys (NM_001018112.3, NM_001286167.3); c.426+137C>G (NM_001351830.2); c.437C>G (NM_000135.3); short protein forms S146C.
Identifiers: ClinVar variation 847150 (VCV000847150.20), dbSNP rs141367100, ClinGen allele CA8253002.